The following is an entry in ClinVar:

ClinVar aggregate classification (germline): Uncertain significance (1 of 4 stars; one submission).

Conditions:
Amyotrophic lateral sclerosis type 1 (ALS1). Also called: AMYOTROPHIC LATERAL SCLEROSIS 1, FAMILIAL. Identifiers: Orphanet 803, MedGen C1862939, MONDO:0007103, OMIM 105400.
Neuronopathy, distal hereditary motor, type 7B. Also called: Distal Hereditary Motor Neuronopathy Type 7B (dHMN7B); HMN VIIB; NEURONOPATHY, DISTAL HEREDITARY MOTOR, AUTOSOMAL DOMINANT 14; NEURONOPATHY, DISTAL HEREDITARY MOTOR, HARDING TYPE VIIB; NEUROPATHY, DISTAL HEREDITARY MOTOR, HARDING TYPE VIIB; NEUROPATHY, DISTAL HEREDITARY MOTOR, WITH VOCAL CORD PARALYSIS, HARDING TYPE VIIB. Identifiers: Orphanet 139589, MedGen C1843315, MONDO:0011879, OMIM 607641.
Perry syndrome. Also called: PARKINSONISM WITH ALVEOLAR HYPOVENTILATION AND MENTAL DEPRESSION. Identifiers: Orphanet 178509, MedGen C1868594, MONDO:0008201, OMIM 168605.

Allele frequency attached by ClinVar (database versions not stated): ExAC 0.00001; gnomAD 0.00001; TOPMed 0.00001.
gnomAD v4.1: 3 of 1,613,784 alleles (0.00019%); highest among the groups gnomAD compares: African/African-American, 0.004%; no homozygotes.

Submission:

Labcorp Genetics (formerly Invitae), Labcorp
Classification: Uncertain significance for Amyotrophic lateral sclerosis type 1; Neuronopathy, distal hereditary motor, type 7B; Perry syndrome. Last evaluated: 2022-11-04. Review status: criteria provided, single submitter. Criteria: Invitae Variant Classification Sherloc (09022015). Collection method: clinical testing. Allele origin: germline.
Comment: In summary, the available evidence is currently insufficient to determine the role of this variant in disease. Therefore, it has been classified as a Variant of Uncertain Significance. Advanced modeling of protein sequence and biophysical properties (such as structural, functional, and spatial information, amino acid conservation, physicochemical variation, residue mobility, and thermodynamic stability) performed at Invitae indicates that this missense variant is not expected to disrupt DCTN1 protein function. This variant has not been reported in the literature in individuals affected with DCTN1-related conditions. This variant is present in population databases (rs763065647, gnomAD 0.008%). This sequence change replaces aspartic acid, which is acidic and polar, with asparagine, which is neutral and polar, at codon 1222 of the DCTN1 protein (p.Asp1222Asn).

NM_004082.5(DCTN1):c.3664G>A (p.Asp1222Asn)

Gene: DCTN1 (dynactin subunit 1; minus strand). Cytogenetic location: 2p13.1.
Variant type: single nucleotide variant.
Coding change: c.3664G>A on transcript NM_004082.5 (MANE Select); coding-DNA position 3664, G replaced by A.
Protein change: p.Asp1222Asn; replaces aspartic acid 1222 with asparagine.
Molecular consequence: missense variant. On other transcripts: non-coding transcript variant (1).
Genome position (GRCh38, 1-based): chr2:74,362,087, C>T on the plus strand (G>A on the coding strand, the complement: DCTN1 is on the minus strand). VCF-style: chr2-74362087-C-T. GRCh37 (hg19) VCF-style: chr2-74589214-C-T.
Other names: c.3589G>A, p.Asp1197Asn (NM_001135040.3); c.3247G>A, p.Asp1083Asn (NM_001135041.3); c.3538G>A, p.Asp1180Asn (NM_001190836.2); c.3643G>A, p.Asp1215Asn (NM_001190837.2); c.3613G>A, p.Asp1205Asn (NM_001378991.1); c.3595G>A, p.Asp1199Asn (NM_001378992.1); c.3262G>A, p.Asp1088Asn (NM_023019.4); short protein forms D1197N, D1205N, D1215N, D1083N, D1088N, D1180N, D1199N, D1222N.
Identifiers: ClinVar variation 2075880 (VCV002075880.4), dbSNP rs763065647, ClinGen allele CA1721400.